The following is an entry in ClinVar:

NC_000017.10:g.(41203135_41209068)_(41277501_?)dup

Gene: BRCA1 (BRCA1 DNA repair associated; minus strand). Cytogenetic location: 17q21.31.
Variant type: Duplication.
Identifiers: ClinVar variation 2573559 (VCV002573559.1).

ClinVar aggregate classification (germline): Uncertain significance (1 of 4 stars; one submission).

Submission:

Women's Health and Genetics/Laboratory Corporation of America, LabCorp
Classification: Uncertain significance. Last evaluated: 2023-06-02. Review status: criteria provided, single submitter. Criteria: LabCorp Variant Classification Summary - May 2015. Collection method: clinical testing. Allele origin: germline.
Comment: Variant summary: The variant identified by MLPA or other technology involves the duplication of exons 1-19 in the BRCA1 gene, where Exon 2 contains the translation initiation codon. The exact breakpoint at the 5' end of this variant is unknown and therefore this duplication might extend upstream of the assayed region of the BRCA1 gene. A presumed nomenclature of c.(?_-233)_(5277+1_5278-1)dup has been designated for the purposes of this classification. It has been assumed that this is a tandem duplication in direct orientation (Richardson_GIM_2018, Newman_AJHG_2015). Since the exact breakpoints of this duplication are not known, it is not possible to predict the protein level effect of this variant. The variant was absent in 21694 control chromosomes (gnomAD Structural Variants dataset). The available data on variant occurrences in the general population are insufficient to allow any conclusion about variant significance. Although a large duplication variant, (i.e. ~357 kb encompassing exons 1-19 of the BRCA1 gene, and extending further upstream of the gene, including other genes) has been reported in the literature in individuals affected with Hereditary Breast and Ovarian Cancer Syndrome, however, the variant was not found to segregate with disease in related individuals, and several co-occurrences with other pathogenic variants were also reported (BRCA1 c.4327C>T (p.Arg1443X); BRCA1 Exon15del), providing supporting evidence for a benign role (e.g., Du_2018). To our knowledge, no experimental evidence demonstrating an impact on protein function has been reported. The following publication have been ascertained in the context of this evaluation (PMID: 30191368). One clinical diagnostic laboratory has submitted clinical-significance assessments for this variant to ClinVar after 2014 without evidence for independent evaluation and classified the variant as likely benign. In conclusion, while it may be assumed that duplication variants including a large DNA segment upstream of the gene (i.e. containing the promoter- and other essential regulatory elements) might result in regular transcription initiation leading to an intact protein product, shorter tandem duplication variants involving the first exon(s), could also result in a frameshift or in-frame duplication change causing disease. Based on the evidence outlined above, duplication variants involving exons 1-19 in the BRCA1 gene together with a large upstream flanking DNA segment, are classified as VUS-possibly benign.

Literature cited by the submitters: PubMed 30191368.